The following is an entry in ClinVar:

NM_003070.5(SMARCA2):c.2770-7C>G

Gene: SMARCA2 (SWI/SNF related BAF chromatin remodeling complex subunit ATPase 2; plus strand). Cytogenetic location: 9p24.3.
Variant type: single nucleotide variant.
Coding change: c.2770-7C>G on transcript NM_003070.5 (MANE Select); 7 bases into the intron before coding-DNA position 2770, C replaced by G.
Molecular consequence: intron variant.
Genome position (GRCh38, 1-based): chr9:2,088,493, C>G. VCF-style: chr9-2088493-C-G. GRCh37 (hg19) VCF-style: chr9-2088493-C-G.
Other names: c.2770-7C>G (NM_139045.4, NM_001289396.2); c.2596-7C>G (NM_001289397.2).
Identifiers: ClinVar variation 366213 (VCV000366213.21), dbSNP rs114448411, ClinGen allele CA4963566.
Genomic context (GRCh38, chr9:2,088,493, plus strand): 5'-TAAAGCTTTATTGTATGAAACATCCTTTTCTTTAAAAAATCAAATTCATAATAAGCCTCT[C>G]TTACAGGTGGACTTAAATGAAGAAGAAACTATATTGATCATCAGGCGTCTACATAAGGTG-3'

ClinVar aggregate classification (germline): Benign. Review status: criteria provided, multiple submitters, no conflicts (2 of 4 stars). 5 submissions from 5 submitters: Benign (4). 1 of the submissions does not count toward it. Last evaluated 2026-02-03.

Conditions:
SMARCA2-related disorder. Also called: SMARCA2-related condition.
Nicolaides-Baraitser syndrome (NCBRS). Also called: SMARCA2-Related Nicolaides-Baraitser Syndrome; Intellectual disability-sparse hair-brachydactyly syndrome. Identifiers: Orphanet 3051, MedGen C1303073, MONDO:0011053, OMIM 601358.

Allele frequency attached by ClinVar (database versions not stated): gnomAD exomes 0.00456; ExAC 0.00549; gnomAD 0.01616 and 0.01734; TOPMed 0.01787; 1000 Genomes Project 0.01797; ESP Exome Variant Server 0.01853; 1000 Genomes Project 30x 0.02108.
gnomAD v4.1: 4,863 of 1,571,432 alleles (0.31%); highest among the groups gnomAD compares: African/African-American, 5.6%; 100 homozygotes.

Submissions (8):

Labcorp Genetics (formerly Invitae), Labcorp
Classification: Benign. Last evaluated: 2026-02-03. Review status: criteria provided, single submitter. Criteria: Invitae Variant Classification Sherloc (09022015). Collection method: clinical testing. Allele origin: germline.

GeneDx
Classification: Benign. Last evaluated: 2018-11-05. Review status: criteria provided, single submitter. Criteria: GeneDx Variant Classification Process June 2021. Collection method: clinical testing. Allele origin: germline. Affected: yes.

Illumina Laboratory Services, Illumina
Classification: Benign for Nicolaides-Baraitser syndrome. Last evaluated: 2018-01-12. Review status: criteria provided, single submitter. Criteria: ICSL Variant Classification Criteria 13 December 2019. Collection method: clinical testing. Allele origin: germline.
Comment: This variant was observed in the ICSL laboratory as part of a predisposition screen in an ostensibly healthy population. It had not been previously curated by ICSL or reported in the Human Gene Mutation Database (HGMD: prior to June 1st, 2018), and was therefore a candidate for classification through an automated scoring system. Utilizing variant allele frequency, disease prevalence and penetrance estimates, and inheritance mode, an automated score was calculated to assess if this variant is too frequent to cause the disease. Based on the score and internal cut-off values, a variant classified as benign is not then subjected to further curation. The score for this variant resulted in a classification of benign for this disease.

Breakthrough Genomics
Classification: Benign. Review status: criteria provided, single submitter. Criteria: ACMG Guidelines, 2015. Collection method: not provided. Allele origin: germline. Inheritance: Autosomal dominant inheritance. Affected: yes.

PreventionGenetics, part of Exact Sciences
Classification: Benign for SMARCA2-related condition. Last evaluated: 2019-06-26. Review status: no assertion criteria provided. Collection method: clinical testing. Allele origin: germline. Not counted in ClinVar's aggregate classification.
Comment: This variant is classified as benign based on ACMG/AMP sequence variant interpretation guidelines (Richards et al. 2015 PMID: 25741868, with internal and published modifications).

Dr. Peter K. Rogan Lab, Western University
No classification provided (evidence only). Condition: Lung cancer. Review status: no classification provided. Collection method: in vitro. Allele origin: not applicable. Functional consequence: retained intron. Not counted in ClinVar's aggregate classification.

Dr. Peter K. Rogan Lab, Western University
No classification provided (evidence only). Condition: Acute myeloid leukemia. Review status: no classification provided. Collection method: in vitro. Allele origin: not applicable. Functional consequence: retained intron. Not counted in ClinVar's aggregate classification.

Dr. Peter K. Rogan Lab, Western University
No classification provided (evidence only). Condition: Gastric cancer. Review status: no classification provided. Collection method: in vitro. Allele origin: not applicable. Functional consequence: retained intron. Not counted in ClinVar's aggregate classification.